The following is an entry in ClinVar:

NM_002474.3(MYH11):c.988G>A (p.Val330Met)

Gene: MYH11 (myosin heavy chain 11; minus strand). Cytogenetic location: 16p13.11.
Variant type: single nucleotide variant.
Coding change: c.988G>A on transcript NM_002474.3 (MANE Select); coding-DNA position 988, G replaced by A.
Protein change: p.Val330Met; replaces valine 330 with methionine.
Molecular consequence: missense variant.
Genome position (GRCh38, 1-based): chr16:15,771,614, C>T on the plus strand (G>A on the coding strand, the complement: MYH11 is on the minus strand). VCF-style: chr16-15771614-C-T. GRCh37 (hg19) VCF-style: chr16-15865471-C-T.
Other names: p.V330M:GTG>ATG; p.Val330Met; c.1009G>A, p.Val337Met (NM_001040113.2, NM_001040114.2); c.988G>A, p.Val330Met (NM_022844.3); c.988G>A (NM_022844.2); short protein forms V330M, V337M.
Identifiers: ClinVar variation 201048 (VCV000201048.19), dbSNP rs368938309, ClinGen allele CA306490.

ClinVar aggregate classification (germline): Conflicting classifications of pathogenicity. Review status: criteria provided, conflicting classifications (1 of 4 stars). 6 submissions from 6 submitters: Uncertain significance (5); Likely benign (1). Last evaluated 2026-01-06.

Conditions:
Familial thoracic aortic aneurysm and aortic dissection (TAAD). Also called: Thoracic aortic aneurysms and dissections. Identifiers: Orphanet 91387, MedGen C4707243, MONDO:0019625.
Aortic aneurysm, familial thoracic 4 (AAT4). Also called: AORTIC ANEURYSM/AORTIC DISSECTION AND PATENT DUCTUS ARTERIOSUS. Identifiers: MedGen C1851504, MONDO:0007568, OMIM 132900.

Allele frequency attached by ClinVar (database versions not stated): gnomAD 0.00002; TOPMed 0.00003; ESP Exome Variant Server 0.00008.
gnomAD v4.1: 53 of 1,613,856 alleles (0.0033%); highest among the groups gnomAD compares: South Asian, 0.0044%; 1 homozygote.

Submissions (6):

Labcorp Genetics (formerly Invitae), Labcorp
Classification: Uncertain significance for Aortic aneurysm, familial thoracic 4. Last evaluated: 2026-01-06. Review status: criteria provided, single submitter. Criteria: Invitae Variant Classification Sherloc (09022015). Collection method: clinical testing. Allele origin: germline.
Comment: This sequence change replaces valine, which is neutral and non-polar, with methionine, which is neutral and non-polar, at codon 337 of the MYH11 protein (p.Val337Met). This variant is present in population databases (rs368938309, gnomAD 0.006%). This variant has not been reported in the literature in individuals affected with MYH11-related conditions. ClinVar contains an entry for this variant (Variation ID: 201048). Invitae Evidence Modeling of protein sequence and biophysical properties (such as structural, functional, and spatial information, amino acid conservation, physicochemical variation, residue mobility, and thermodynamic stability) indicates that this missense variant is not expected to disrupt MYH11 protein function with a negative predictive value of 95%. In summary, the available evidence is currently insufficient to determine the role of this variant in disease. Therefore, it has been classified as a Variant of Uncertain Significance.

Color Diagnostics, LLC DBA Color Health
Classification: Likely benign for Familial thoracic aortic aneurysm and aortic dissection. Last evaluated: 2025-06-09. Review status: criteria provided, single submitter. Criteria: ACMG Guidelines, 2015. Collection method: clinical testing. Allele origin: germline.

Ambry Genetics
Classification: Uncertain significance for Familial thoracic aortic aneurysm and aortic dissection. Last evaluated: 2023-12-16. Review status: criteria provided, single submitter. Criteria: Ambry Variant Classification Scheme 2023. Collection method: clinical testing. Allele origin: germline.
Comment: The p.V330M variant (also known as c.988G>A), located in coding exon 8 of the MYH11 gene, results from a G to A substitution at nucleotide position 988. The valine at codon 330 is replaced by methionine, an amino acid with highly similar properties. This amino acid position is conserved. In addition, this alteration is predicted to be tolerated by in silico analysis. Since supporting evidence is limited at this time, the clinical significance of this alteration remains unclear.

GeneDx
Classification: Uncertain significance. Last evaluated: 2023-02-17. Review status: criteria provided, single submitter. Criteria: GeneDx Variant Classification Process June 2021. Collection method: clinical testing. Allele origin: germline. Affected: yes.
Comment: Has not been previously published as pathogenic or benign to our knowledge; In silico analysis supports that this missense variant does not alter protein structure/function

Mayo Clinic Laboratories, Mayo Clinic
Classification: Uncertain significance. Last evaluated: 2022-10-11. Review status: criteria provided, single submitter. Criteria: ACMG Guidelines, 2015. Collection method: clinical testing. Allele origin: germline. Observed: 1 variant allele.

Illumina Laboratory Services, Illumina
Classification: Uncertain significance for Aortic aneurysm, familial thoracic 4. Last evaluated: 2018-01-13. Review status: criteria provided, single submitter. Criteria: ICSL Variant Classification Criteria 13 December 2019. Collection method: clinical testing. Allele origin: germline.